The following is an entry in ClinVar:

NM_001008537.3(NEXMIF):c.3048G>C (p.Lys1016Asn)

Gene: NEXMIF (neurite extension and migration factor; minus strand). Cytogenetic location: Xq13.3.
Variant type: single nucleotide variant.
Coding change: c.3048G>C on transcript NM_001008537.3 (MANE Select); coding-DNA position 3048, G replaced by C.
Protein change: p.Lys1016Asn; replaces lysine 1016 with asparagine.
Molecular consequence: missense variant.
Genome position (GRCh38, 1-based): chrX:74,741,509, C>G on the plus strand (G>C on the coding strand, the complement: NEXMIF is on the minus strand). VCF-style: chrX-74741509-C-G. GRCh37 (hg19) VCF-style: chrX-73961344-C-G.
Other names: short protein forms K1016N.
Identifiers: ClinVar variation 4726186 (VCV004726186.1).

ClinVar aggregate classification (germline): Uncertain significance (1 of 4 stars; one submission).

Submission:

Labcorp Genetics (formerly Invitae), Labcorp
Classification: Uncertain significance. Last evaluated: 2025-08-29. Review status: criteria provided, single submitter. Criteria: Invitae Variant Classification Sherloc (09022015). Collection method: clinical testing. Allele origin: germline.
Comment: This sequence change replaces lysine, which is basic and polar, with asparagine, which is neutral and polar, at codon 1016 of the NEXMIF protein (p.Lys1016Asn). This variant is not present in population databases (gnomAD no frequency). This variant has not been reported in the literature in individuals affected with NEXMIF-related conditions. An algorithm developed to predict the effect of missense changes on protein structure and function (PolyPhen-2) suggests that this variant is likely to be tolerated. In summary, the available evidence is currently insufficient to determine the role of this variant in disease. Therefore, it has been classified as a Variant of Uncertain Significance.